The following is an entry in ClinVar:

ClinVar aggregate classification (germline): Uncertain significance (1 of 4 stars; one submission).

Allele frequency attached by ClinVar (database versions not stated): gnomAD 0.00001; TOPMed 0.00001; ExAC 0.00003.
gnomAD v4.1: 14 of 1,613,586 alleles (0.00087%); highest among the groups gnomAD compares: South Asian, 0.0055%; no homozygotes.

Submission:

Labcorp Genetics (formerly Invitae), Labcorp
Classification: Uncertain significance. Last evaluated: 2024-10-29. Review status: criteria provided, single submitter. Criteria: Invitae Variant Classification Sherloc (09022015). Collection method: clinical testing. Allele origin: germline.
Comment: This sequence change replaces threonine, which is neutral and polar, with methionine, which is neutral and non-polar, at codon 2485 of the FRAS1 protein (p.Thr2485Met). This variant is present in population databases (rs771971412, gnomAD 0.01%). This variant has not been reported in the literature in individuals affected with FRAS1-related conditions. ClinVar contains an entry for this variant (Variation ID: 1931684). Invitae Evidence Modeling of protein sequence and biophysical properties (such as structural, functional, and spatial information, amino acid conservation, physicochemical variation, residue mobility, and thermodynamic stability) indicates that this missense variant is not expected to disrupt FRAS1 protein function with a negative predictive value of 80%. In summary, the available evidence is currently insufficient to determine the role of this variant in disease. Therefore, it has been classified as a Variant of Uncertain Significance.

NM_025074.7(FRAS1):c.7454C>T (p.Thr2485Met)

Gene: FRAS1 (Fraser extracellular matrix complex subunit 1; plus strand). Cytogenetic location: 4q21.21.
Variant type: single nucleotide variant.
Coding change: c.7454C>T on transcript NM_025074.7 (MANE Select); coding-DNA position 7454, C replaced by T.
Protein change: p.Thr2485Met; replaces threonine 2485 with methionine.
Molecular consequence: missense variant.
Genome position (GRCh38, 1-based): chr4:78,472,262, C>T. VCF-style: chr4-78472262-C-T. GRCh37 (hg19) VCF-style: chr4-79393416-C-T.
Other names: short protein forms T2485M.
Identifiers: ClinVar variation 1931684 (VCV001931684.4), dbSNP rs771971412, ClinGen allele CA2978103.